The following is an entry in ClinVar:

ClinVar aggregate classification (germline): Conflicting classifications of pathogenicity. Review status: criteria provided, conflicting classifications (1 of 4 stars). 2 submissions from 2 submitters: Uncertain significance (1); Likely benign (1). Last evaluated 2026-06-17.

Conditions:
Cardiovascular phenotype. Identifiers: MedGen CN230736.

gnomAD v4.1: 20 of 1,549,556 alleles (0.0013%); highest among the groups gnomAD compares: Admixed American, 0.0039%; no homozygotes.

Submissions (2):

Ambry Genetics
Classification: Likely benign for Cardiovascular phenotype. Last evaluated: 2026-06-17. Review status: criteria provided, single submitter. Criteria: Ambry Variant Classification Scheme 2023. Collection method: clinical testing. Allele origin: germline.

Women's Health and Genetics/Laboratory Corporation of America, LabCorp
Classification: Uncertain significance. Last evaluated: 2026-03-16. Review status: criteria provided, single submitter. Criteria: LabCorp Variant Classification Summary - May 2015. Collection method: clinical testing. Allele origin: germline.
Comment: Variant summary: ZNF469 c.636G>C (p.Gln212His) results in a non-conservative amino acid change in the encoded protein sequence. Algorithms developed to predict the effect of missense changes on protein structure and function are either unavailable or do not agree on the potential impact of this missense change. The variant allele was found at a frequency of 6.8e-06 in 146488 control chromosomes. The available data on variant occurrences in the general population are insufficient to allow any conclusion about variant significance. To our knowledge, no occurrence of c.636G>C in individuals affected with ZNF469-related conditions and no experimental evidence demonstrating its impact on protein function have been reported. ClinVar contains an entry for this variant (Variation ID: 3476154). Based on the evidence outlined above, the variant was classified as uncertain significance.

NM_001367624.2(ZNF469):c.636G>C (p.Gln212His)

Gene: ZNF469 (zinc finger protein 469; plus strand). Cytogenetic location: 16q24.2.
Variant type: single nucleotide variant.
Coding change: c.636G>C on transcript NM_001367624.2 (MANE Select); coding-DNA position 636, G replaced by C.
Protein change: p.Gln212His; replaces glutamine 212 with histidine.
Molecular consequence: missense variant.
Genome position (GRCh38, 1-based): chr16:88,428,106, G>C. VCF-style: chr16-88428106-G-C. GRCh37 (hg19) VCF-style: chr16-88494514-G-C.
Other names: NM_001127464.1:c.636G>C; short protein forms Q212H.
Identifiers: ClinVar variation 3476154 (VCV003476154.3).